The following is an entry in ClinVar:

ClinVar aggregate classification (germline): Benign/Likely benign. Review status: criteria provided, single submitter (1 of 4 stars). 2 submissions from 1 submitter: Benign (1); Likely benign (1). Last evaluated 2018-01-13.

Conditions:
Inflammatory bowel disease 1 (IBD1). Also called: Inflammatory bowel disease 1, Crohn disease; INFLAMMATORY BOWEL DISEASE (CROHN DISEASE) 1. Identifiers: MedGen CN260071, MONDO:0009960, OMIM 266600.
Blau syndrome (BLAUS). Also called: ARTHROCUTANEOUVEAL GRANULOMATOSIS; GRANULOMATOSIS, FAMILIAL JUVENILE SYSTEMIC; GRANULOMATOSIS, FAMILIAL, BLAU TYPE; GRANULOMATOUS INFLAMMATORY ARTHRITIS, DERMATITIS, AND UVEITIS, FAMILIAL; JABS SYNDROME. Identifiers: Orphanet 90340, MedGen C5201146, MONDO:0008523, OMIM 186580.

Allele frequency attached by ClinVar (database versions not stated): 1000 Genomes Project 0.00060; 1000 Genomes Project 30x 0.00078; TOPMed 0.00091; gnomAD 0.00204 and 0.00208.

Submissions (2):

Illumina Laboratory Services, Illumina
Classification: Likely benign for Inflammatory bowel disease 1. Last evaluated: 2018-01-13. Review status: criteria provided, single submitter. Criteria: ICSL Variant Classification Criteria 13 December 2019. Collection method: clinical testing. Allele origin: germline.
Comment: This variant was observed in the ICSL laboratory as part of a predisposition screen in an ostensibly healthy population. It had not been previously curated by ICSL or reported in the Human Gene Mutation Database (HGMD: prior to June 1st, 2018), and was therefore a candidate for classification through an automated scoring system. Utilizing variant allele frequency, disease prevalence and penetrance estimates, and inheritance mode, an automated score was calculated to assess if this variant is too frequent to cause the disease. Based on the score and internal cut-off values, a variant classified as likely benign is not then subjected to further curation. The score for this variant resulted in a classification of likely benign for this disease.

Illumina Laboratory Services, Illumina
Classification: Benign for Blau syndrome. Last evaluated: 2018-01-13. Review status: criteria provided, single submitter. Criteria: ICSL Variant Classification Criteria 13 December 2019. Collection method: clinical testing. Allele origin: germline.
Comment: This variant was observed in the ICSL laboratory as part of a predisposition screen in an ostensibly healthy population. It had not been previously curated by ICSL or reported in the Human Gene Mutation Database (HGMD: prior to June 1st, 2018), and was therefore a candidate for classification through an automated scoring system. Utilizing variant allele frequency, disease prevalence and penetrance estimates, and inheritance mode, an automated score was calculated to assess if this variant is too frequent to cause the disease. Based on the score and internal cut-off values, a variant classified as benign is not then subjected to further curation. The score for this variant resulted in a classification of benign for this disease.

NM_001370466.1(NOD2):c.*990T>C

Genes: NOD2 (nucleotide binding oligomerization domain containing 2; plus strand), CYLD-AS1 (CYLD antisense RNA 1; minus strand). Cytogenetic location: 16q12.1.
Variant type: single nucleotide variant.
Coding change: c.*990T>C on transcript NM_001370466.1 (MANE Select); 990 bases downstream of the stop codon, T replaced by C.
Molecular consequence: 3 prime UTR variant. On other transcripts: non-coding transcript variant (1).
Genome position (GRCh38, 1-based): chr16:50,732,809, T>C. VCF-style: chr16-50732809-T-C. GRCh37 (hg19) VCF-style: chr16-50766720-T-C.
Other names: c.*990T>C (LRG_177t1, NM_001293557.2, NM_022162.3).
Identifiers: ClinVar variation 319490 (VCV000319490.7), dbSNP rs192842874, ClinGen allele CA10648480.
Genomic context (GRCh38, chr16:50,732,809, plus strand): 5'-TAGACCCACAAGAGGCAGTTCCATTTCATTTGTGCCAGAATGCTTTAGGATGTACAGTTA[T>C]GGATTGAAAGTTTACAGGAAAAAAAATTAGGCCGTTCCTTCAAAGCAAATGTCTTCCTGG-3'